The following is an entry in ClinVar:

ClinVar aggregate classification (germline): Benign. Review status: criteria provided, multiple submitters, no conflicts (2 of 4 stars). 2 submissions from 2 submitters: Benign (2). Last evaluated 2018-06-14.

Allele frequency attached by ClinVar (database versions not stated): gnomAD exomes 0.42421; gnomAD 0.54475; TOPMed 0.56213; 1000 Genomes Project 0.64297; 1000 Genomes Project 30x 0.64725.
gnomAD v4.1: 83,837 of 155,850 alleles (54%); highest among the groups gnomAD compares: African/African-American, 79%; 24,777 homozygotes.

Submissions (2):

GeneDx
Classification: Benign. Last evaluated: 2018-06-14. Review status: criteria provided, single submitter. Criteria: GeneDx Variant Classification (06012015). Collection method: clinical testing. Allele origin: germline. Affected: yes.
Comment: This variant is considered likely benign or benign based on one or more of the following criteria: it is a conservative change, it occurs at a poorly conserved position in the protein, it is predicted to be benign by multiple in silico algorithms, and/or has population frequency not consistent with disease.

Breakthrough Genomics
Classification: Benign. Review status: criteria provided, single submitter. Criteria: ACMG Guidelines, 2015. Collection method: not provided. Allele origin: germline. Inheritance: Autosomal recessive inheritance. Affected: yes.

NM_001379210.1(SLC25A26):c.499-154T>A

Gene: SLC25A26 (solute carrier family 25 member 26; plus strand). Cytogenetic location: 3p14.1.
Variant type: single nucleotide variant.
Coding change: c.499-154T>A on transcript NM_001379210.1 (MANE Select); 154 bases into the intron before coding-DNA position 499, T replaced by A.
Molecular consequence: intron variant.
Genome position (GRCh38, 1-based): chr3:66,362,706, T>A. VCF-style: chr3-66362706-T-A. GRCh37 (hg19) VCF-style: chr3-66413130-T-A.
Other names: c.499-154T>A (NM_173471.4); c.235-154T>A (NM_001350993.1, NM_001164796.1).
Identifiers: ClinVar variation 683922 (VCV000683922.2), dbSNP rs332386, ClinGen allele CA16145512.